The following is an entry in ClinVar:

NM_001379081.2(FREM1):c.988C>T (p.Pro330Ser)

Gene: FREM1 (FRAS1 related extracellular matrix 1; minus strand). Cytogenetic location: 9p22.3.
Variant type: single nucleotide variant.
Coding change: c.988C>T on transcript NM_001379081.2 (MANE Select); coding-DNA position 988, C replaced by T.
Protein change: p.Pro330Ser; replaces proline 330 with serine.
Molecular consequence: missense variant. On other transcripts: non-coding transcript variant (4).
Genome position (GRCh38, 1-based): chr9:14,851,448, G>A on the plus strand (C>T on the coding strand, the complement: FREM1 is on the minus strand). VCF-style: chr9-14851448-G-A. GRCh37 (hg19) VCF-style: chr9-14851446-G-A.
Other names: c.988C>T (NM_144966.5); c.1015C>T, p.Pro339Ser (NM_001370060.1); c.988C>T, p.Pro330Ser (NM_001370063.1, NM_001370065.1, NM_144966.7); short protein forms P339S, P330S.
Identifiers: ClinVar variation 1381389 (VCV001381389.9), dbSNP rs780012875, ClinGen allele CA4991399.
Genomic context (GRCh38, chr9:14,851,448, plus strand): 5'-CCAACAGGTGAGTCACATAGCCCTGGAGCGGGGCTTTAGTAATGTTGAACACCAGCAAGG[G>A]TTTAGGGGTCTCATCTTCTTCACAGTCCAGAACTGATGTAGTCAAGGAGGTCAGGATGAA-3'
Protein context (NP_001366010.1, residues 320-340): LDCEEDETPK[Pro330Ser]LLVFNITKAP

ClinVar aggregate classification (germline): Uncertain significance. Review status: criteria provided, multiple submitters, no conflicts (2 of 4 stars). 2 submissions from 2 submitters: Uncertain significance (2). Last evaluated 2025-11-13.

Conditions:
Inborn genetic diseases. Identifiers: MedGen C0950123, MeSH D030342.

Allele frequency attached by ClinVar (database versions not stated): gnomAD 0.00001.
gnomAD v4.1: 14 of 1,613,886 alleles (0.00087%); highest among the groups gnomAD compares: African/African-American, 0.0013%; no homozygotes.

Submissions (2):

Ambry Genetics
Classification: Uncertain significance for Inborn genetic diseases. Last evaluated: 2025-11-13. Review status: criteria provided, single submitter. Criteria: Ambry Variant Classification Scheme 2023. Collection method: clinical testing. Allele origin: germline.

Labcorp Genetics (formerly Invitae), Labcorp
Classification: Uncertain significance. Last evaluated: 2021-07-29. Review status: criteria provided, single submitter. Criteria: Invitae Variant Classification Sherloc (09022015). Collection method: clinical testing. Allele origin: germline.
Comment: In summary, the available evidence is currently insufficient to determine the role of this variant in disease. Therefore, it has been classified as a Variant of Uncertain Significance. Algorithms developed to predict the effect of missense changes on protein structure and function output the following: SIFT: "Tolerated"; PolyPhen-2: "Benign"; Align-GVGD: "Class C0". The serine amino acid residue is found in multiple mammalian species, suggesting that this missense change does not adversely affect protein function. These predictions have not been confirmed by published functional studies and their clinical significance is uncertain. This variant has not been reported in the literature in individuals with FREM1-related conditions. This variant is present in population databases (rs780012875, ExAC 0.001%). This sequence change replaces proline with serine at codon 330 of the FREM1 protein (p.Pro330Ser). The proline residue is weakly conserved and there is a moderate physicochemical difference between proline and serine.